The following is an entry in ClinVar:

NM_000282.4(PCCA):c.2037C>T (p.Asp679=)

Gene: PCCA (propionyl-CoA carboxylase subunit alpha; plus strand). Cytogenetic location: 13q32.3.
Variant type: single nucleotide variant.
Coding change: c.2037C>T on transcript NM_000282.4 (MANE Select); coding-DNA position 2037, C replaced by T.
Protein change: p.Asp679=; no amino-acid change (aspartic acid 679 retained).
Molecular consequence: synonymous variant. On other transcripts: non-coding transcript variant (4), intron variant (2).
Genome position (GRCh38, 1-based): chr13:100,515,564, C>T. VCF-style: chr13-100515564-C-T. GRCh37 (hg19) VCF-style: chr13-101167818-C-T.
Other names: c.1959C>T, p.Asp653= (NM_001127692.3); c.1983C>T, p.Asp661= (NM_001352605.2); c.1893C>T, p.Asp631= (NM_001352606.2); c.1815C>T, p.Asp605= (NM_001352608.2); c.1092C>T, p.Asp364= (NM_001352610.2); c.1038C>T, p.Asp346= (NM_001352611.2); c.948C>T, p.Asp316= (NM_001352612.2); c.1900-12111C>T (NM_001178004.2); and 1 more.
Identifiers: ClinVar variation 310848 (VCV000310848.21), dbSNP rs146870931, ClinGen allele CA7033873.

ClinVar aggregate classification (germline): Conflicting classifications of pathogenicity. Review status: criteria provided, conflicting classifications (1 of 4 stars). 4 submissions from 4 submitters: Uncertain significance (1); Likely benign (2). 1 of the submissions does not count toward it. Last evaluated 2026-02-01.

Conditions:
Propionic acidemia (PROP). Also called: HYPERGLYCINEMIA WITH KETOACIDOSIS AND LEUKOPENIA; KETOTIC HYPERGLYCINEMIA; GLYCINEMIA, KETOTIC. Identifiers: Orphanet 35, MedGen C0268579, MONDO:0011628, OMIM 606054, HP:0003571.

Allele frequency attached by ClinVar (database versions not stated): gnomAD exomes 0.00008 and 0.00009; ExAC 0.00012; ESP Exome Variant Server 0.00015; 1000 Genomes Project 30x 0.00016; 1000 Genomes Project 0.00020; gnomAD 0.00031 and 0.00035; TOPMed 0.00037.
gnomAD v4.1: 168 of 1,613,646 alleles (0.01%); highest among the groups gnomAD compares: African/African-American, 0.11%; no homozygotes.

Submissions (4):

CeGaT Center for Human Genetics Tuebingen
Classification: Likely benign. Last evaluated: 2026-02-01. Review status: criteria provided, single submitter. Criteria: CeGaT Center For Human Genetics Tuebingen Variant Classification Criteria Version 2. Collection method: clinical testing. Allele origin: germline. Affected: yes. Observed: 1 variant allele.
Comment: PCCA: BP4, BP7

Labcorp Genetics (formerly Invitae), Labcorp
Classification: Likely benign for Propionic acidemia. Last evaluated: 2026-01-21. Review status: criteria provided, single submitter. Criteria: Invitae Variant Classification Sherloc (09022015). Collection method: clinical testing. Allele origin: germline.

Illumina Laboratory Services, Illumina
Classification: Uncertain significance for Propionic acidemia. Last evaluated: 2018-01-13. Review status: criteria provided, single submitter. Criteria: ICSL Variant Classification Criteria 13 December 2019. Collection method: clinical testing. Allele origin: germline.

Natera, Inc.
Classification: Uncertain significance for Propionic acidemia. Last evaluated: 2020-04-17. Review status: no assertion criteria provided. Collection method: clinical testing. Allele origin: germline. Not counted in ClinVar's aggregate classification.